The following is an entry in ClinVar:

ClinVar aggregate classification (germline): Conflicting classifications of pathogenicity. Review status: criteria provided, conflicting classifications (1 of 4 stars). 4 submissions from 4 submitters: Uncertain significance (1); Benign (1); Likely benign (1). 1 of the submissions does not count toward it. Last evaluated 2025-05-21.

Conditions:
DSTYK-related disorder. Also called: DSTYK-related condition.
Congenital anomalies of kidney and urinary tract 1. Also called: Renal hypodysplasia, nonsyndromic, 1; Congenital anomalies of kidney and urinary tract 1, susceptibility to. Identifiers: MedGen C1835826, MONDO:0012561, OMIM 610805.

Allele frequency attached by ClinVar (database versions not stated): 1000 Genomes Project 30x 0.00016; 1000 Genomes Project 0.00020; gnomAD exomes 0.00037 and 0.00092; gnomAD 0.00046 and 0.00047; ESP Exome Variant Server 0.00047; TOPMed 0.00051; ExAC 0.00092.
gnomAD v4.1: 670 of 1,585,060 alleles (0.042%); highest among the groups gnomAD compares: Admixed American, 0.022%; 2 homozygotes.

Submissions (4):

Labcorp Genetics (formerly Invitae), Labcorp
Classification: Benign. Last evaluated: 2025-05-21. Review status: criteria provided, single submitter. Criteria: Invitae Variant Classification Sherloc (09022015). Collection method: clinical testing. Allele origin: germline.

CeGaT Center for Human Genetics Tuebingen
Classification: Likely benign. Last evaluated: 2024-03-01. Review status: criteria provided, single submitter. Criteria: CeGaT Center For Human Genetics Tuebingen Variant Classification Criteria Version 2. Collection method: clinical testing. Allele origin: germline. Affected: yes. Observed: 1 variant allele.
Comment: DSTYK: BS1

Lupski Lab, Baylor-Hopkins CMG, Baylor College of Medicine
Classification: Uncertain significance for Congenital anomalies of kidney and urinary tract 1. Review status: criteria provided, single submitter. Criteria: Bekheirnia et al. (Genet Med. 2016). Collection method: research. Allele origin: unknown. Inheritance: Autosomal dominant inheritance. Affected: yes. Observed: 1 heterozygote.

PreventionGenetics, part of Exact Sciences
Classification: Likely benign for DSTYK-related condition. Last evaluated: 2024-06-27. Review status: no assertion criteria provided. Collection method: clinical testing. Allele origin: germline. Not counted in ClinVar's aggregate classification.
Comment: This variant is classified as likely benign based on ACMG/AMP sequence variant interpretation guidelines (Richards et al. 2015 PMID: 25741868, with internal and published modifications).

NM_015375.3(DSTYK):c.53C>T (p.Pro18Leu)

Gene: DSTYK (dual serine/threonine and tyrosine protein kinase; minus strand). Cytogenetic location: 1q32.1.
Variant type: single nucleotide variant.
Coding change: c.53C>T on transcript NM_015375.3 (MANE Select); coding-DNA position 53, C replaced by T.
Protein change: p.Pro18Leu; replaces proline 18 with leucine.
Molecular consequence: missense variant.
Genome position (GRCh38, 1-based): chr1:205,211,483, G>A on the plus strand (C>T on the coding strand, the complement: DSTYK is on the minus strand). VCF-style: chr1-205211483-G-A. GRCh37 (hg19) VCF-style: chr1-205180611-G-A.
Other names: c.53C>T, p.Pro18Leu (NM_199462.3); c.53C>T (NM_015375.2); short protein forms P18L.
Identifiers: ClinVar variation 224358 (VCV000224358.29), dbSNP rs202068245, ClinGen allele CA1353145.